The following is an entry in ClinVar:

ClinVar aggregate classification (germline): Uncertain significance (1 of 4 stars; one submission).

Conditions:
Hereditary motor and sensory neuropathy, Okinawa type (HMSNO). Also called: HEREDITARY MOTOR AND SENSORY NEUROPATHY, PROXIMAL TYPE. Identifiers: Orphanet 90117, MedGen C1858338, MONDO:0011468, OMIM 604484.
Hereditary spastic paraplegia 57. Also called: Spastic paraplegia 57, autosomal recessive. Identifiers: Orphanet 431329, MedGen C3714897, MONDO:0014295, OMIM 615658.

Submission:

Labcorp Genetics (formerly Invitae), Labcorp
Classification: Uncertain significance for Hereditary motor and sensory neuropathy, Okinawa type; Hereditary spastic paraplegia 57. Last evaluated: 2025-12-03. Review status: criteria provided, single submitter. Criteria: Invitae Variant Classification Sherloc (09022015). Collection method: clinical testing. Allele origin: germline.
Comment: This sequence change replaces proline, which is neutral and non-polar, with serine, which is neutral and polar, at codon 207 of the TFG protein (p.Pro207Ser). This variant is present in population databases (no rsID available, gnomAD 0.007%). This variant has not been reported in the literature in individuals affected with TFG-related conditions. Invitae Evidence Modeling of protein sequence and biophysical properties (such as structural, functional, and spatial information, amino acid conservation, physicochemical variation, residue mobility, and thermodynamic stability) indicates that this missense variant is not expected to disrupt TFG protein function with a negative predictive value of 80%. In summary, the available evidence is currently insufficient to determine the role of this variant in disease. Therefore, it has been classified as a Variant of Uncertain Significance.

NM_006070.6(TFG):c.619C>T (p.Pro207Ser)

Gene: TFG (trafficking from ER to golgi regulator; plus strand). Cytogenetic location: 3q12.2.
Variant type: single nucleotide variant.
Coding change: c.619C>T on transcript NM_006070.6 (MANE Select); coding-DNA position 619, C replaced by T.
Protein change: p.Pro207Ser; replaces proline 207 with serine.
Molecular consequence: missense variant.
Genome position (GRCh38, 1-based): chr3:100,736,614, C>T. VCF-style: chr3-100736614-C-T. GRCh37 (hg19) VCF-style: chr3-100455458-C-T.
Other names: c.619C>T, p.Pro207Ser (NM_001007565.2, NM_001195478.2, NM_001195479.2); short protein forms P207S.
Identifiers: ClinVar variation 4792207 (VCV004792207.1).